The following is an entry in ClinVar:

NM_000443.4(ABCB4):c.2082A>G (p.Pro694=)

Gene: ABCB4 (ATP binding cassette subfamily B member 4; minus strand). Cytogenetic location: 7q21.12.
Variant type: single nucleotide variant.
Coding change: c.2082A>G on transcript NM_000443.4 (MANE Select); coding-DNA position 2082, A replaced by G.
Protein change: p.Pro694=; no amino-acid change (proline 694 retained).
Molecular consequence: synonymous variant.
Genome position (GRCh38, 1-based): chr7:87,424,035, T>C on the plus strand (A>G on the coding strand, the complement: ABCB4 is on the minus strand). VCF-style: chr7-87424035-T-C. GRCh37 (hg19) VCF-style: chr7-87053351-T-C.
Other names: c.2082A>G (NM_000443.3); c.2082A>G, p.Pro694= (NM_018849.3, NM_018850.3).
Identifiers: ClinVar variation 2999199 (VCV002999199.4), dbSNP rs969381661, ClinGen allele CA162082793.

ClinVar aggregate classification (germline): Likely benign. Review status: criteria provided, multiple submitters, no conflicts (2 of 4 stars). 2 submissions from 2 submitters: Likely benign (2). Last evaluated 2025-05-08.

Conditions:
ABCB4-related disorder. Also called: ABCB4-related disorders; ABCB4-related condition.

Allele frequency attached by ClinVar (database versions not stated): gnomAD exomes below 0.00001; gnomAD 0.00001; TOPMed 0.00002.
gnomAD v4.1: 5 of 1,613,970 alleles (0.00031%); highest among the groups gnomAD compares: African/African-American, 0.0067%; no homozygotes.

Submissions (2):

PreventionGenetics, part of Exact Sciences
Classification: Likely benign for ABCB4-related condition. Last evaluated: 2025-05-08. Review status: criteria provided, single submitter. Criteria: ACMG Guidelines, 2015. Collection method: clinical testing. Allele origin: germline.
Comment: This variant is classified as likely benign based on ACMG/AMP sequence variant interpretation guidelines (Richards et al. 2015 PMID: 25741868, with internal and published modifications).

Labcorp Genetics (formerly Invitae), Labcorp
Classification: Likely benign. Last evaluated: 2023-03-12. Review status: criteria provided, single submitter. Criteria: Invitae Variant Classification Sherloc (09022015). Collection method: clinical testing. Allele origin: germline.